The following is an entry in ClinVar:

ClinVar aggregate classification (germline): Uncertain significance (1 of 4 stars; one submission).

Allele frequency attached by ClinVar (database versions not stated): gnomAD 0.00001.
gnomAD v4.1: 2 of 1,614,000 alleles (0.00012%); highest among the groups gnomAD compares: Non-Finnish European, 0.00017%; no homozygotes.

Submission:

Ambry Genetics
Classification: Uncertain significance. Last evaluated: 2021-08-15. Review status: criteria provided, single submitter. Criteria: Ambry Variant Classification Scheme 2023. Collection method: clinical testing. Allele origin: germline.
Comment: The p.L676S variant (also known as c.2027T>C), located in coding exon 13 of the NPAT gene, results from a T to C substitution at nucleotide position 2027. The leucine at codon 676 is replaced by serine, an amino acid with dissimilar properties. This amino acid position is conserved. In addition, this alteration is predicted to be tolerated by in silico analysis. Since supporting evidence is limited at this time, the clinical significance of this alteration remains unclear.

NM_002519.3(NPAT):c.2027T>C (p.Leu676Ser)

Gene: NPAT (nuclear protein, coactivator of histone transcription; minus strand). Cytogenetic location: 11q22.3.
Variant type: single nucleotide variant.
Coding change: c.2027T>C on transcript NM_002519.3 (MANE Select); coding-DNA position 2027, T replaced by C.
Protein change: p.Leu676Ser; replaces leucine 676 with serine.
Molecular consequence: missense variant.
Genome position (GRCh38, 1-based): chr11:108,172,957, A>G on the plus strand (T>C on the coding strand, the complement: NPAT is on the minus strand). VCF-style: chr11-108172957-A-G. GRCh37 (hg19) VCF-style: chr11-108043684-A-G.
Other names: c.2027T>C, p.Leu676Ser (NM_001321307.1); short protein forms L676S.
Identifiers: ClinVar variation 1784675 (VCV001784675.2), dbSNP rs368134007, ClinGen allele CA382513835.